The following is an entry in ClinVar:

NM_005228.5(EGFR):c.2506C>T (p.Arg836Cys)

Gene: EGFR (epidermal growth factor receptor; plus strand). Cytogenetic location: 7p11.2.
Variant type: single nucleotide variant.
Coding change: c.2506C>T on transcript NM_005228.5 (MANE Select); coding-DNA position 2506, C replaced by T.
Protein change: p.Arg836Cys; replaces arginine 836 with cysteine.
Molecular consequence: missense variant.
Genome position (GRCh38, 1-based): chr7:55,191,755, C>T. VCF-style: chr7-55191755-C-T. GRCh37 (hg19) VCF-style: chr7-55259448-C-T.
Other names: c.2371C>T, p.Arg791Cys (NM_001346897.2, NM_001346899.2); c.2506C>T, p.Arg836Cys (NM_001346898.2); c.2347C>T, p.Arg783Cys (NM_001346900.2); c.1705C>T, p.Arg569Cys (NM_001346941.2); c.2506C>T (NM_005228.4); short protein forms R791C, R569C, R783C, R836C.
Identifiers: ClinVar variation 953828 (VCV000953828.12), dbSNP rs374952732, ClinGen allele CA4266107.

ClinVar aggregate classification (germline): Conflicting classifications of pathogenicity. Review status: criteria provided, conflicting classifications (1 of 4 stars). 6 submissions from 6 submitters: Likely pathogenic (1); Uncertain significance (4); Likely benign (1). Last evaluated 2026-09-25.

Conditions:
Lung cancer. Also called: Lung cancer, somatic; Malignant tumor of lung. Identifiers: MedGen C0242379, MONDO:0008903, OMIM 211980.
EGFR-related lung cancer (EGFR). Identifiers: MedGen CN130014.
EGFR-related disorder. Also called: EGFR-related condition.
Hereditary cancer-predisposing syndrome. Also called: Neoplastic Syndromes, Hereditary; Hereditary Cancer Syndrome; Tumor predisposition; Hereditary neoplastic syndrome. Identifiers: Orphanet 140162, MedGen C0027672, MeSH D009386, MONDO:0015356.
Ovarian cancer. Also called: OVARIAN CANCER, SOMATIC. Identifiers: Orphanet 213500, MedGen C1140680, MONDO:0008170, OMIM 167000.

Allele frequency attached by ClinVar (database versions not stated): ExAC 0.00001; gnomAD exomes 0.00001 and 0.00002; gnomAD 0.00003 and 0.00004; TOPMed 0.00004; ESP Exome Variant Server 0.00015.
gnomAD v4.1: 20 of 1,613,834 alleles (0.0012%); highest among the groups gnomAD compares: African/African-American, 0.0053%; no homozygotes.

Submissions (6):

PreventionGenetics, part of Exact Sciences
Classification: Uncertain significance for EGFR-related condition. Last evaluated: 2026-09-25. Review status: criteria provided, single submitter. Criteria: ACMG Guidelines, 2015. Collection method: clinical testing. Allele origin: germline.
Comment: The EGFR c.2506C>T variant is predicted to result in the amino acid substitution p.Arg836Cys. This variant has been reported in an individual with lung adenocarcinoma (Lin et al. 2021. PubMed ID: 34869019) and in individuals with pediatric cancers including acute lymphoblastic leukemia and a central nervous system (CNS) astrocytoma (Table S2, Kim et al. 2021. PubMed ID: 34308104). Functional studies showed this variant does not significantly affect EGFR-protein function (McSkimming et al. 2015. PubMed ID: 25382819). This variant is reported in 0.0080% of alleles in individuals of African descent in gnomAD and has conflicting interpretations in ClinVar ranging from likely benign to likely pathogenic (Variation ID: 953828). At this time, the clinical significance of this variant is uncertain due to the absence of conclusive functional and genetic evidence.

Labcorp Genetics (formerly Invitae), Labcorp
Classification: Uncertain significance for EGFR-related lung cancer. Last evaluated: 2024-12-20. Review status: criteria provided, single submitter. Criteria: Invitae Variant Classification Sherloc (09022015). Collection method: clinical testing. Allele origin: germline.
Comment: This sequence change replaces arginine, which is basic and polar, with cysteine, which is neutral and slightly polar, at codon 836 of the EGFR protein (p.Arg836Cys). This variant is present in population databases (rs374952732, gnomAD 0.008%). This variant has not been reported in the literature in individuals affected with EGFR-related conditions. ClinVar contains an entry for this variant (Variation ID: 953828). Invitae Evidence Modeling of protein sequence and biophysical properties (such as structural, functional, and spatial information, amino acid conservation, physicochemical variation, residue mobility, and thermodynamic stability) indicates that this missense variant is expected to disrupt EGFR protein function with a positive predictive value of 80%. Experimental studies have shown that this missense change does not substantially affect EGFR function (PMID: 25382819). In summary, the available evidence is currently insufficient to determine the role of this variant in disease. Therefore, it has been classified as a Variant of Uncertain Significance.

Ambry Genetics
Classification: Uncertain significance for Hereditary cancer-predisposing syndrome. Last evaluated: 2024-10-17. Review status: criteria provided, single submitter. Criteria: Ambry Variant Classification Scheme 2023. Collection method: clinical testing. Allele origin: germline.
Comment: The p.R836C variant (also known as c.2506C>T), located in coding exon 21 of the EGFR gene, results from a C to T substitution at nucleotide position 2506. The arginine at codon 836 is replaced by cysteine, an amino acid with highly dissimilar properties. This variant was detected in the germline of 2/31,906 Chinese patients with lung cancer (Lin X et al. Front Oncol, 2021 Nov;11:774156). This amino acid position is highly conserved in available vertebrate species. In addition, this alteration is predicted to be deleterious by in silico analysis. Based on the available evidence, the clinical significance of this variant remains unclear.

Myriad Genetics, Inc.
Classification: Likely benign for Lung cancer. Last evaluated: 2024-10-17. Review status: criteria provided, single submitter. Criteria: Myriad Autosomal Dominant, Autosomal Recessive and X-Linked Classification Criteria (2023). Collection method: clinical testing. Allele origin: unknown.
Comment: This variant is considered likely benign. This variant has been observed at a population frequency that is significantly greater than expected given the associated disease prevalence and penetrance.

Quest Diagnostics Nichols Institute San Juan Capistrano
Classification: Uncertain significance. Last evaluated: 2023-03-31. Review status: criteria provided, single submitter. Criteria: Quest Diagnostics criteria. Collection method: clinical testing. Allele origin: unknown.
Comment: The frequency of this variant in the general population, 0.000039 (5/129034 chromosomes), is uninformative in assessment of its pathogenicity. In the published literature, an experimental study reports the variant does not impact EGFR protein function (PMID: 25382819 (2015)), however further functional studies are needed. Analysis of this variant using bioinformatics tools for the prediction of the effect of amino acid changes on protein structure and function yielded predictions that this variant is damaging. Based on the available information, we are unable to determine the clinical significance of this variant.

Laboratory of Molecular Epidemiology of Birth Defects, West China Second University Hospital, Sichuan University
Classification: Likely pathogenic for Ovarian cancer. Last evaluated: 2022-01-01. Review status: criteria provided, single submitter. Criteria: ACMG Guidelines, 2015. Collection method: clinical testing. Allele origin: germline. Affected: yes.

Literature cited by the submitters: PubMed 25382819 (cited by Labcorp Genetics (formerly Invitae), Labcorp and Quest Diagnostics Nichols Institute San Juan Capistrano); PubMed 34869019 (cited by Ambry Genetics); PubMed 34308104 (cited by Quest Diagnostics Nichols Institute San Juan Capistrano).